The following is an entry in ClinVar:

ClinVar aggregate classification (germline): Uncertain significance (1 of 4 stars; one submission).

Submission:

Labcorp Genetics (formerly Invitae), Labcorp
Classification: Uncertain significance. Last evaluated: 2022-11-08. Review status: criteria provided, single submitter. Criteria: Invitae Variant Classification Sherloc (09022015). Collection method: clinical testing. Allele origin: germline.
Comment: This sequence change replaces leucine, which is neutral and non-polar, with valine, which is neutral and non-polar, at codon 1182 of the CEP250 protein (p.Leu1182Val). This variant is not present in population databases (gnomAD no frequency). This variant has not been reported in the literature in individuals affected with CEP250-related conditions. Algorithms developed to predict the effect of missense changes on protein structure and function are either unavailable or do not agree on the potential impact of this missense change (SIFT: "Not Available"; PolyPhen-2: "Probably Damaging"; Align-GVGD: "Not Available"). Algorithms developed to predict the effect of sequence changes on RNA splicing suggest that this variant may create or strengthen a splice site. In summary, the available evidence is currently insufficient to determine the role of this variant in disease. Therefore, it has been classified as a Variant of Uncertain Significance.

NM_007186.6(CEP250):c.3544C>G (p.Leu1182Val)

Gene: CEP250 (centrosomal protein 250; plus strand). Cytogenetic location: 20q11.22.
Variant type: single nucleotide variant.
Coding change: c.3544C>G on transcript NM_007186.6 (MANE Select); coding-DNA position 3544, C replaced by G.
Protein change: p.Leu1182Val; replaces leucine 1182 with valine.
Molecular consequence: missense variant.
Genome position (GRCh38, 1-based): chr20:35,497,956, C>G. VCF-style: chr20-35497956-C-G. GRCh37 (hg19) VCF-style: chr20-34085785-C-G.
Other names: c.1648C>G, p.Leu550Val (NM_001318219.1); short protein forms L1182V, L550V.
Identifiers: ClinVar variation 1922463 (VCV001922463.5), dbSNP rs2516139680, ClinGen allele CA408744531.